The following is an entry in ClinVar:

ClinVar aggregate classification (germline): Likely benign (0 of 4 stars; one submission).

Conditions:
FAT1-related disorder. Also called: FAT1-related condition.

Allele frequency attached by ClinVar (database versions not stated): gnomAD exomes below 0.00001.
gnomAD v4.1: 3 of 1,614,010 alleles (0.00019%); highest among the groups gnomAD compares: African/African-American, 0.0013%; no homozygotes.

Submission:

PreventionGenetics, part of Exact Sciences
Classification: Likely benign for FAT1-related condition. Last evaluated: 2019-05-30. Review status: no assertion criteria provided. Collection method: clinical testing. Allele origin: germline.
Comment: This variant is classified as likely benign based on ACMG/AMP sequence variant interpretation guidelines (Richards et al. 2015 PMID: 25741868, with internal and published modifications).

NM_005245.4(FAT1):c.2472G>A (p.Gln824=)

Gene: FAT1 (FAT atypical cadherin 1; minus strand). Cytogenetic location: 4q35.2.
Variant type: single nucleotide variant.
Coding change: c.2472G>A on transcript NM_005245.4 (MANE Select); coding-DNA position 2472, G replaced by A.
Protein change: p.Gln824=; no amino-acid change (glutamine 824 retained).
Molecular consequence: synonymous variant.
Genome position (GRCh38, 1-based): chr4:186,707,356, C>T on the plus strand (G>A on the coding strand, the complement: FAT1 is on the minus strand). VCF-style: chr4-186707356-C-T. GRCh37 (hg19) VCF-style: chr4-187628510-C-T.
Identifiers: ClinVar variation 3044474 (VCV003044474.2), dbSNP rs1388242925, ClinGen allele CA442892783.